The following is an entry in ClinVar:

ClinVar aggregate classification (germline): Pathogenic (1 of 4 stars; one submission).

Submission:

Labcorp Genetics (formerly Invitae), Labcorp
Classification: Pathogenic. Last evaluated: 2023-05-02. Review status: criteria provided, single submitter. Criteria: Invitae Variant Classification Sherloc (09022015). Collection method: clinical testing. Allele origin: unknown.
Comment: For these reasons, this variant has been classified as Pathogenic. This variant disrupts the triple helix domain of COL4A5. Glycine residues within the Gly-Xaa-Yaa repeats of the triple helix domain are required for the structure and stability of fibrillar collagens (PMID: 7695699, 8218237, 19344236). In COL4A5, missense variants at these glycine residues are significantly enriched in individuals with disease (PMID: 23720012, 27627812) compared to the general population (ExAC). This variant has not been reported in the literature in individuals affected with COL4A5-related conditions. This variant results in the deletion of exon 32 and part of exon 31 (c.2665_2768-328del) of the COL4A5 gene. It is expected to disrupt RNA splicing. Variants that disrupt the donor or acceptor splice site typically lead to a loss of protein function (PMID: 16199547), and loss-of-function variants in COL4A5 are known to be pathogenic (PMID: 9195222, 10752524, 14514738, 24854265, 26809805).

Literature cited by the submitters: PubMed 7695699; PubMed 8218237; PubMed 19344236; PubMed 23720012; PubMed 27627812; PubMed 16199547; PubMed 9195222; PubMed 10752524; PubMed 14514738; PubMed 24854265; PubMed 26809805.

NC_000023.10:g.(?_107863644)_(107865578_?)del

Gene: COL4A5 (collagen type IV alpha 5 chain; plus strand). Cytogenetic location: Xq22.3.
Variant type: Deletion.
Identifiers: ClinVar variation 3246332 (VCV003246332.1).